The following is an entry in ClinVar:

ClinVar aggregate classification (germline): Likely benign (1 of 4 stars; one submission).

Submission:

CeGaT Center for Human Genetics Tuebingen
Classification: Likely benign. Last evaluated: 2023-04-01. Review status: criteria provided, single submitter. Criteria: CeGaT Center For Human Genetics Tuebingen Variant Classification Criteria Version 2. Collection method: clinical testing. Allele origin: germline. Affected: yes. Observed: 1 variant allele.
Comment: NIPBL: PM2:Supporting, BP4, BP7

NM_133433.4(NIPBL):c.7593T>C (p.Ala2531=)

Gene: NIPBL (NIPBL cohesin loading factor; plus strand). Cytogenetic location: 5p13.2.
Variant type: single nucleotide variant.
Coding change: c.7593T>C on transcript NM_133433.4 (MANE Select); coding-DNA position 7593, T replaced by C.
Protein change: p.Ala2531=; no amino-acid change (alanine 2531 retained).
Molecular consequence: synonymous variant.
Genome position (GRCh38, 1-based): chr5:37,059,073, T>C. VCF-style: chr5-37059073-T-C. GRCh37 (hg19) VCF-style: chr5-37059175-T-C.
Other names: c.7593T>C, p.Ala2531= (NM_015384.5).
Identifiers: ClinVar variation 2571218 (VCV002571218.27), dbSNP rs113072270, ClinGen allele CA117055810.